The following is an entry in ClinVar:

NM_013382.7(POMT2):c.817-18G>A

Gene: POMT2 (protein O-mannosyltransferase 2; minus strand). Cytogenetic location: 14q24.3.
Variant type: single nucleotide variant.
Coding change: c.817-18G>A on transcript NM_013382.7 (MANE Select); 18 bases into the intron before coding-DNA position 817, G replaced by A.
Molecular consequence: intron variant.
Genome position (GRCh38, 1-based): chr14:77,299,579, C>T on the plus strand (G>A on the coding strand, the complement: POMT2 is on the minus strand). VCF-style: chr14-77299579-C-T. GRCh37 (hg19) VCF-style: chr14-77765922-C-T.
Identifiers: ClinVar variation 260302 (VCV000260302.11), dbSNP rs200104520, ClinGen allele CA7286068.

ClinVar aggregate classification (germline): Likely benign. Review status: criteria provided, multiple submitters, no conflicts (2 of 4 stars). 5 submissions from 5 submitters: Likely benign (5). Last evaluated 2026-01-12.

Conditions:
Muscular dystrophy-dystroglycanopathy (congenital with brain and eye anomalies), type A2. Also called: MUSCULAR DYSTROPHY-DYSTROGLYCANOPATHY (CONGENITAL WITH BRAIN AND EYE ANOMALIES), TYPE A, 2; WALKER-WARBURG SYNDROME OR MUSCLE-EYE-BRAIN DISEASE, POMT2-RELATED. Identifiers: Orphanet 588, Orphanet 899, MedGen C3150411, MONDO:0013154, OMIM 613150.
Muscular dystrophy-dystroglycanopathy (congenital with impaired intellectual development), type B, 2. Also called: Muscular dystrophy-dystroglycanopathy (congenital with intellectual disability), type B2; MUSCULAR DYSTROPHY, CONGENITAL, POMT2-RELATED. Identifiers: MedGen C3150416, MONDO:0013160, OMIM 613156.
Autosomal recessive limb-girdle muscular dystrophy type 2N. Also called: Muscular dystrophy-dystroglycanopathy (limb-girdle), type C, 2; MUSCULAR DYSTROPHY-DYSTROGLYCANOPATHY, LIMB-GIRDLE, POMT2-RELATED. Identifiers: Orphanet 206559, MedGen C3150418, MONDO:0013162, OMIM 613158.

Allele frequency attached by ClinVar (database versions not stated): gnomAD 0.00004 and 0.00005; gnomAD exomes 0.00006; ExAC 0.00007; TOPMed 0.00008.
gnomAD v4.1: 103 of 1,602,042 alleles (0.0064%); highest among the groups gnomAD compares: Middle Eastern, 0.15%; 3 homozygotes.

Submissions (5):

Labcorp Genetics (formerly Invitae), Labcorp
Classification: Likely benign for Muscular dystrophy-dystroglycanopathy (congenital with impaired intellectual development), type B, 2; Muscular dystrophy-dystroglycanopathy (congenital with brain and eye anomalies), type A2; Autosomal recessive limb-girdle muscular dystrophy type 2N. Last evaluated: 2026-01-12. Review status: criteria provided, single submitter. Criteria: Invitae Variant Classification Sherloc (09022015). Collection method: clinical testing. Allele origin: germline.

Blueprint Genetics
Classification: Likely benign. Last evaluated: 2024-08-12. Review status: criteria provided, single submitter. Criteria: ACMG Guidelines, 2015. Collection method: clinical testing. Allele origin: germline.

GeneDx
Classification: Likely benign. Last evaluated: 2017-10-12. Review status: criteria provided, single submitter. Criteria: GeneDx Variant Classification (06012015). Collection method: clinical testing. Allele origin: germline. Affected: yes.
Comment: This variant is considered likely benign or benign based on one or more of the following criteria: it is a conservative change, it occurs at a poorly conserved position in the protein, it is predicted to be benign by multiple in silico algorithms, and/or has population frequency not consistent with disease.

Breakthrough Genomics
Classification: Likely benign. Review status: criteria provided, single submitter. Criteria: ACMG Guidelines, 2015. Collection method: not provided. Allele origin: germline. Inheritance: Autosomal recessive inheritance. Affected: yes.

PreventionGenetics, part of Exact Sciences
Classification: Likely benign. Review status: criteria provided, single submitter. Criteria: ACMG Guidelines, 2015. Collection method: clinical testing. Allele origin: germline.